The following is an entry in ClinVar:

NM_001267550.2(TTN):c.16875C>A (p.Asp5625Glu)

Genes: TTN (titin; minus strand), LOC126806431 (CDK7 strongly-dependent group 2 enhancer GRCh37_chr2:179595719-179596918; plus strand). Cytogenetic location: 2q31.2.
Variant type: single nucleotide variant.
Coding change: c.16875C>A on transcript NM_001267550.2 (MANE Select); coding-DNA position 16875, C replaced by A.
Protein change: p.Asp5625Glu; replaces aspartic acid 5625 with glutamic acid.
Molecular consequence: missense variant. On other transcripts: intron variant (3).
Genome position (GRCh38, 1-based): chr2:178,732,094, G>T on the plus strand (C>A on the coding strand, the complement: TTN is on the minus strand). VCF-style: chr2-178732094-G-T. GRCh37 (hg19) VCF-style: chr2-179596821-G-T.
Other names: p.D5308E:GAC>GAA; c.15924C>A, p.Asp5308Glu (NM_001256850.1); c.13143C>A, p.Asp4381Glu (NM_133378.4); c.13282+5988C>A (NM_003319.4); c.13858+5988C>A (NM_133437.4); c.13657+5988C>A (NM_133432.3); short protein forms D5308E, D5625E, D4381E.
Identifiers: ClinVar variation 203258 (VCV000203258.2), dbSNP rs794729612, ClinGen allele CA311838.

ClinVar aggregate classification (germline): Uncertain significance (1 of 4 stars; one submission).

Allele frequency attached by ClinVar (database versions not stated): gnomAD exomes below 0.00001.
gnomAD v4.1: 1 of 1,611,864 alleles (0.000062%); highest among the groups gnomAD compares: African/African-American, 0.0013%; no homozygotes.

Submission:

GeneDx
Classification: Uncertain significance. Last evaluated: 2013-07-30. Review status: criteria provided, single submitter. Criteria: GeneDx Variant Classification (06012015). Collection method: clinical testing. Allele origin: germline. Affected: yes.
Comment: Missense variants in the TTN gene are considered 'unclassified' if they are not previously reported in the literature and do not have >1% frequency in the population to be considered a polymorphism. Research indicates that truncating mutations in the TTN gene are expected to account for approximately 25% of familial and 18% of sporadic idiopathic DCM; however, truncating variants in the TTN gene have been reported in approximately 3% of reported control alleles. There has been little investigation into non-truncating variants. (Herman D et al. Truncations of titin causing dilated cardiomyopathy. N Eng J Med 366:619-628, 2012) The variant is found in DCM panel(s).